The following is an entry in ClinVar:

ClinVar aggregate classification (germline): Uncertain significance (1 of 4 stars; one submission).

Allele frequency attached by ClinVar (database versions not stated): TOPMed below 0.00001.
gnomAD v4.1: 3 of 1,612,252 alleles (0.00019%); highest among the groups gnomAD compares: Non-Finnish European, 0.00025%; no homozygotes.

Submission:

Labcorp Genetics (formerly Invitae), Labcorp
Classification: Uncertain significance. Last evaluated: 2024-12-26. Review status: criteria provided, single submitter. Criteria: Invitae Variant Classification Sherloc (09022015). Collection method: clinical testing. Allele origin: germline.
Comment: This sequence change replaces isoleucine, which is neutral and non-polar, with valine, which is neutral and non-polar, at codon 612 of the DLL1 protein (p.Ile612Val). This variant is not present in population databases (gnomAD no frequency). This variant has not been reported in the literature in individuals affected with DLL1-related conditions. ClinVar contains an entry for this variant (Variation ID: 2971151). An algorithm developed to predict the effect of missense changes on protein structure and function outputs the following: PolyPhen-2: "Benign". The valine amino acid residue is found in multiple mammalian species, which suggests that this missense change does not adversely affect protein function. In summary, the available evidence is currently insufficient to determine the role of this variant in disease. Therefore, it has been classified as a Variant of Uncertain Significance.

NM_005618.4(DLL1):c.1834A>G (p.Ile612Val)

Gene: DLL1 (delta like canonical Notch ligand 1; minus strand). Cytogenetic location: 6q27.
Variant type: single nucleotide variant.
Coding change: c.1834A>G on transcript NM_005618.4 (MANE Select); coding-DNA position 1834, A replaced by G.
Protein change: p.Ile612Val; replaces isoleucine 612 with valine.
Molecular consequence: missense variant.
Genome position (GRCh38, 1-based): chr6:170,283,445, T>C on the plus strand (A>G on the coding strand, the complement: DLL1 is on the minus strand). VCF-style: chr6-170283445-T-C. GRCh37 (hg19) VCF-style: chr6-170592533-T-C.
Other names: short protein forms I612V.
Identifiers: ClinVar variation 2971151 (VCV002971151.3), dbSNP rs1021386733, ClinGen allele CA152190137.